The following is an entry in ClinVar:

NM_015338.6(ASXL1):c.724A>G (p.Met242Val)

Gene: ASXL1 (ASXL transcriptional regulator 1; plus strand). Cytogenetic location: 20q11.21.
Variant type: single nucleotide variant.
Coding change: c.724A>G on transcript NM_015338.6 (MANE Select); coding-DNA position 724, A replaced by G.
Protein change: p.Met242Val; replaces methionine 242 with valine.
Molecular consequence: missense variant.
Genome position (GRCh38, 1-based): chr20:32,431,326, A>G. VCF-style: chr20-32431326-A-G. GRCh37 (hg19) VCF-style: chr20-31019129-A-G.
Other names: c.541A>G, p.Met181Val (NM_001363734.1); short protein forms M181V, M242V.
Identifiers: ClinVar variation 1972886 (VCV001972886.31), dbSNP rs765190948, ClinGen allele CA9808192.
Genomic context (GRCh38, chr20:32,431,326, plus strand): 5'-CATTTGTTTTTTCTTTTAAAAAGCTGAAATCTATACCTTGCTTCAAAAATCATAGGTCAA[A>G]TGAAGCGCAACAGAGGGGAAGAAATAGATTTTGAGACACCTGGGTCCATTCTTGTCAACA-3'
Protein context (NP_056153.2, residues 232-252): RGFRKPATGQ[Met242Val]KRNRGEEIDF

ClinVar aggregate classification (germline): Conflicting classifications of pathogenicity. Review status: criteria provided, conflicting classifications (1 of 4 stars). 3 submissions from 3 submitters: Uncertain significance (1); Likely benign (2). Last evaluated 2026-07-01.

Conditions:
Inborn genetic diseases. Identifiers: MedGen C0950123, MeSH D030342.

Allele frequency attached by ClinVar (database versions not stated): ExAC 0.00001; gnomAD exomes 0.00002; TOPMed 0.00002; gnomAD 0.00003.
gnomAD v4.1: 27 of 1,614,094 alleles (0.0017%); highest among the groups gnomAD compares: Non-Finnish European, 0.0022%; no homozygotes.

Submissions (3):

CeGaT Center for Human Genetics Tuebingen
Classification: Likely benign. Last evaluated: 2026-07-01. Review status: criteria provided, single submitter. Criteria: CeGaT Center For Human Genetics Tuebingen Variant Classification Criteria Version 2. Collection method: clinical testing. Allele origin: germline. Affected: yes. Observed: 2 variant alleles.
Comment: ASXL1: BS1

Ambry Genetics
Classification: Likely benign for Inborn genetic diseases. Last evaluated: 2024-11-28. Review status: criteria provided, single submitter. Criteria: Ambry Variant Classification Scheme 2023. Collection method: clinical testing. Allele origin: germline.

Labcorp Genetics (formerly Invitae), Labcorp
Classification: Uncertain significance. Last evaluated: 2023-11-21. Review status: criteria provided, single submitter. Criteria: Invitae Variant Classification Sherloc (09022015). Collection method: clinical testing. Allele origin: germline.
Comment: This sequence change replaces methionine, which is neutral and non-polar, with valine, which is neutral and non-polar, at codon 242 of the ASXL1 protein (p.Met242Val). This variant is present in population databases (rs765190948, gnomAD 0.002%). This variant has not been reported in the literature in individuals affected with ASXL1-related conditions. ClinVar contains an entry for this variant (Variation ID: 1972886). An algorithm developed to predict the effect of missense changes on protein structure and function (PolyPhen-2) suggests that this variant is likely to be tolerated. In summary, the available evidence is currently insufficient to determine the role of this variant in disease. Therefore, it has been classified as a Variant of Uncertain Significance.